The following is an entry in ClinVar:

NM_002578.5(PAK3):c.1408-1G>C

Gene: PAK3 (p21 (RAC1) activated kinase 3; plus strand). Cytogenetic location: Xq23.
Variant type: single nucleotide variant.
Coding change: c.1408-1G>C on transcript NM_002578.5 (MANE Select); the canonical splice acceptor site of the intron before coding-DNA position 1408, G replaced by C.
Molecular consequence: splice acceptor variant.
Genome position (GRCh38, 1-based): chrX:111,216,420, G>C. VCF-style: chrX-111216420-G-C. GRCh37 (hg19) VCF-style: chrX-110459648-G-C.
Other names: c.1408-1G>C (NM_001128166.3, NM_001324325.2, NM_001324330.2 and 5 more transcripts); c.1516-1G>C (NM_001128168.3); c.1453-1G>C (NM_001128173.3, NM_001324329.2, NM_001324327.2 and 2 more transcripts); c.1471-1G>C (NM_001128172.2).
Identifiers: ClinVar variation 2576157 (VCV002576157.1), dbSNP rs2524488203, ClinGen allele CA414241843.
Genomic context (GRCh38, chrX:111,216,420, plus strand): 5'-TGTGCCAAGCCATGATTTTAATATGTATGTGCTGAATGGATTTTTCTATTTTTTTCTACA[G>C]GCATTGTATCTGATAGCCACTAATGGAACTCCAGAGCTCCAGAATCCTGAGAGACTGTCA-3'

ClinVar aggregate classification (germline): Uncertain significance (1 of 4 stars; one submission).

Submission:

Institute for Clinical Genetics, University Hospital TU Dresden, University Hospital TU Dresden
Classification: Uncertain significance. Last evaluated: 2021-10-12. Review status: criteria provided, single submitter. Criteria: ACMG Guidelines, 2015. Collection method: clinical testing. Allele origin: germline.
Comment: PM1, PVS1_MOD, PM2_SUP